The following is an entry in ClinVar:

NM_001042724.2(NECTIN2):c.372G>A (p.Thr124=)

Gene: NECTIN2 (nectin cell adhesion molecule 2; plus strand). Cytogenetic location: 19q13.32.
Variant type: single nucleotide variant.
Coding change: c.372G>A on transcript NM_001042724.2 (MANE Select); coding-DNA position 372, G replaced by A.
Protein change: p.Thr124=; no amino-acid change (threonine 124 retained).
Molecular consequence: synonymous variant.
Genome position (GRCh38, 1-based): chr19:44,865,554, G>A. VCF-style: chr19-44865554-G-A. GRCh37 (hg19) VCF-style: chr19-45368811-G-A.
Other names: c.372G>A, p.Thr124= (NM_002856.3).
Identifiers: ClinVar variation 3044297 (VCV003044297.2), dbSNP rs916044396, ClinGen allele CA308904615.
Genomic context (GRCh38, chr19:44,865,554, plus strand): 5'-CTTCGTCTCTGCCAAGCAGAGCACTGGGCAAGACACAGAGGCAGAGCTCCAGGACGCCAC[G>A]CTGGCCCTCCACGGGCTCACGGTGGAGGACGAGGGCAACTACACTTGCGAGTTTGCCACC-3'
Protein context (NP_001036189.1, residues 114-134): QDTEAELQDA[Thr124=]LALHGLTVED

ClinVar aggregate classification (germline): Likely benign (0 of 4 stars; one submission).

Conditions:
NECTIN2-related disorder. Also called: NECTIN2-related condition.

Allele frequency attached by ClinVar (database versions not stated): TOPMed 0.00002; 1000 Genomes Project 30x 0.00016.
gnomAD v4.1: 15 of 1,565,112 alleles (0.00096%); highest among the groups gnomAD compares: African/African-American, 0.0054%; no homozygotes.

Submission:

PreventionGenetics, part of Exact Sciences
Classification: Likely benign for NECTIN2-related condition. Last evaluated: 2019-06-05. Review status: no assertion criteria provided. Collection method: clinical testing. Allele origin: germline.
Comment: This variant is classified as likely benign based on ACMG/AMP sequence variant interpretation guidelines (Richards et al. 2015 PMID: 25741868, with internal and published modifications).